The following is an entry in ClinVar:

NM_001384732.1(CPLANE1):c.8585C>T (p.Ser2862Leu)

Gene: CPLANE1 (ciliogenesis and planar polarity effector complex subunit 1; minus strand). Cytogenetic location: 5p13.2.
Variant type: single nucleotide variant.
Coding change: c.8585C>T on transcript NM_001384732.1 (MANE Select); coding-DNA position 8585, C replaced by T.
Protein change: p.Ser2862Leu; replaces serine 2862 with leucine.
Molecular consequence: missense variant.
Genome position (GRCh38, 1-based): chr5:37,142,357, G>A on the plus strand (C>T on the coding strand, the complement: CPLANE1 is on the minus strand). VCF-style: chr5-37142357-G-A. GRCh37 (hg19) VCF-style: chr5-37142459-G-A.
Other names: c.8423C>T (NM_023073.3); c.8423C>T, p.Ser2808Leu (NM_023073.4); short protein forms S2862L, S2808L.
Identifiers: ClinVar variation 1449423 (VCV001449423.7), dbSNP rs1477186639, ClinGen allele CA359472620.

ClinVar aggregate classification (germline): Uncertain significance. Review status: criteria provided, multiple submitters, no conflicts (2 of 4 stars). 2 submissions from 2 submitters: Uncertain significance (2). Last evaluated 2024-03-28.

Conditions:
Joubert syndrome 17 (JBTS17). Identifiers: Orphanet 475, MedGen C3553264, MONDO:0013824, OMIM 614615.
Orofaciodigital syndrome type 6 (OFD6). Also called: Oral-facial-digital syndrome type 6; Central polydactyly cleft lip/palate or lingual lump and psychomotor retardation; Y-shaped central metacarpal and cerebellar defect; Joubert syndrome with orofacialdigital anomalies; OROFACIODIGITAL SYNDROME VI; OFDS VI. Identifiers: Orphanet 2754, MedGen C2745997, MONDO:0010176, OMIM 277170.

Allele frequency attached by ClinVar (database versions not stated): gnomAD exomes below 0.00001.
gnomAD v4.1: 1 of 1,610,378 alleles (0.000062%); highest among the groups gnomAD compares: African/African-American, 0.0013%; no homozygotes.

Submissions (2):

Fulgent Genetics
Classification: Uncertain significance for Orofaciodigital syndrome type 6; Joubert syndrome 17. Last evaluated: 2024-03-28. Review status: criteria provided, single submitter. Criteria: ACMG Guidelines, 2015. Collection method: clinical testing. Allele origin: germline.

Labcorp Genetics (formerly Invitae), Labcorp
Classification: Uncertain significance. Last evaluated: 2021-10-27. Review status: criteria provided, single submitter. Criteria: Invitae Variant Classification Sherloc (09022015). Collection method: clinical testing. Allele origin: germline.
Comment: This variant has not been reported in the literature in individuals affected with CPLANE1-related conditions. This variant is not present in population databases (gnomAD no frequency). This sequence change replaces serine, a(n) neutral and polar amino acid, with leucine, a(n) neutral and non-polar amino acid, at codon 2808 of the CPLANE1 protein (p.Ser2808Leu). Advanced modeling of protein sequence and biophysical properties (such as structural, functional, and spatial information, amino acid conservation, physicochemical variation, residue mobility, and thermodynamic stability) performed at Invitae indicates that this missense variant is not expected to disrupt CPLANE1 protein function. In summary, the available evidence is currently insufficient to determine the role of this variant in disease. Therefore, it has been classified as a Variant of Uncertain Significance.